The following is an entry in ClinVar:

ClinVar aggregate classification (germline): Uncertain significance (1 of 4 stars; one submission).

Conditions:
Gastrointestinal stromal tumor. Also called: Gastrointestinal stroma tumor; Gastrointestinal stromal tumor, somatic. Identifiers: Orphanet 44890, MedGen C0238198, MeSH D046152, MONDO:0011719, OMIM 606764, HP:0100723.

gnomAD v4.1: 1 of 1,609,336 alleles (0.000062%); highest among the groups gnomAD compares: Non-Finnish European, 0.000085%; no homozygotes.

Submission:

Labcorp Genetics (formerly Invitae), Labcorp
Classification: Uncertain significance for Gastrointestinal stromal tumor. Last evaluated: 2025-11-01. Review status: criteria provided, single submitter. Criteria: Invitae Variant Classification Sherloc (09022015). Collection method: clinical testing. Allele origin: germline.
Comment: This sequence change replaces serine, which is neutral and polar, with threonine, which is neutral and polar, at codon 931 of the KIT protein (p.Ser931Thr). This variant is not present in population databases (gnomAD no frequency). This variant has not been reported in the literature in individuals affected with KIT-related conditions. An algorithm developed to predict the effect of missense changes on protein structure and function (PolyPhen-2) suggests that this variant is likely to be tolerated. In summary, the available evidence is currently insufficient to determine the role of this variant in disease. Therefore, it has been classified as a Variant of Uncertain Significance.

NM_000222.3(KIT):c.2792G>C (p.Ser931Thr)

Gene: KIT (KIT proto-oncogene, receptor tyrosine kinase; plus strand). Cytogenetic location: 4q12.
Variant type: single nucleotide variant.
Coding change: c.2792G>C on transcript NM_000222.3 (MANE Select); coding-DNA position 2792, G replaced by C.
Protein change: p.Ser931Thr; replaces serine 931 with threonine.
Molecular consequence: missense variant.
Genome position (GRCh38, 1-based): chr4:54,737,270, G>C. VCF-style: chr4-54737270-G-C. GRCh37 (hg19) VCF-style: chr4-55603436-G-C.
Other names: c.2780G>C, p.Ser927Thr (NM_001093772.2, NM_001385292.1); c.2795G>C, p.Ser932Thr (NM_001385284.1); c.2789G>C, p.Ser930Thr (NM_001385285.1); c.2777G>C, p.Ser926Thr (NM_001385286.1); c.2783G>C, p.Ser928Thr (NM_001385288.1); c.2792G>C, p.Ser931Thr (NM_001385290.1); short protein forms S928T, S931T, S927T, S926T, S932T, S930T.
Identifiers: ClinVar variation 4761112 (VCV004761112.1).